The following is an entry in ClinVar:

NM_004333.6(BRAF):c.1993-10C>T

Gene: BRAF (B-Raf proto-oncogene, serine/threonine kinase; minus strand). Cytogenetic location: 7q34.
Variant type: single nucleotide variant.
Coding change: c.1993-10C>T on transcript NM_004333.6 (MANE Select); 10 bases into the intron before coding-DNA position 1993, C replaced by T.
Molecular consequence: intron variant.
Genome position (GRCh38, 1-based): chr7:140,739,956, G>A on the plus strand (C>T on the coding strand, the complement: BRAF is on the minus strand). VCF-style: chr7-140739956-G-A. GRCh37 (hg19) VCF-style: chr7-140439756-G-A.
Other names: c.1993-10C>T (NM_001378474.1, NM_001378468.1, NM_001354609.2); c.1891-10C>T (NM_001378470.1); c.1729-10C>T (NM_001378475.1); c.1882-10C>T (NM_001378471.1); c.2113-10C>T (NM_001374258.1, NM_001374244.1); c.2002-10C>T (NM_001378467.1); c.1837-10C>T (NM_001378472.1, NM_001378473.1); c.1927-10C>T (NM_001378469.1).
Identifiers: ClinVar variation 2739975 (VCV002739975.4), dbSNP rs1034603754, ClinGen allele CA578267957.

ClinVar aggregate classification (germline): Likely benign. Review status: criteria provided, multiple submitters, no conflicts (2 of 4 stars). 2 submissions from 2 submitters: Likely benign (2). Last evaluated 2025-12-02.

Conditions:
RASopathy. Also called: rasopathies; Noonan spectrum disorder. Identifiers: Orphanet 536391, MedGen C5555857, MONDO:0021060.

Submissions (2):

Women's Health and Genetics/Laboratory Corporation of America, LabCorp
Classification: Likely benign. Last evaluated: 2025-12-02. Review status: criteria provided, single submitter. Criteria: LabCorp Variant Classification Summary - May 2015. Collection method: clinical testing. Allele origin: germline.
Comment: Variant summary: BRAF c.1993-10C>T alters a nucleotide located at a position not widely known to affect splicing. Consensus agreement among computation tools predict no significant impact on normal splicing. However, these predictions have yet to be confirmed by functional studies. The variant allele was found at a frequency of 4.1e-06 in 241428 control chromosomes. The available data on variant occurrences in the general population are insufficient to allow any conclusion about variant significance. To our knowledge, no occurrence of c.1993-10C>T in individuals affected with BRAF-related conditions and no experimental evidence demonstrating its impact on protein function have been reported. ClinVar contains an entry for this variant (Variation ID: 2739975). Based on the evidence outlined above, the variant was classified as likely benign.

Labcorp Genetics (formerly Invitae), Labcorp
Classification: Likely benign for RASopathy. Last evaluated: 2025-10-26. Review status: criteria provided, single submitter. Criteria: Invitae Variant Classification Sherloc (09022015). Collection method: clinical testing. Allele origin: germline.